The following is an entry in ClinVar:

NM_007294.4(BRCA1):c.199G>C (p.Asp67His)

Gene: BRCA1 (BRCA1 DNA repair associated; minus strand). Cytogenetic location: 17q21.31.
Variant type: single nucleotide variant.
Coding change: c.199G>C on transcript NM_007294.4 (MANE Select); coding-DNA position 199, G replaced by C.
Protein change: p.Asp67His; replaces aspartic acid 67 with histidine.
Molecular consequence: missense variant.
Genome position (GRCh38, 1-based): chr17:43,106,469, C>G on the plus strand (G>C on the coding strand, the complement: BRCA1 is on the minus strand). VCF-style: chr17-43106469-C-G. GRCh37 (hg19) VCF-style: chr17-41258486-C-G.
Other names: c.199G>C, p.Asp67His (NM_001407581.1, NM_001407582.1, NM_001407583.1 and 168 more transcripts); c.58G>C, p.Asp20His (NM_001407692.1, NM_001407694.1, NM_001407695.1 and 99 more transcripts); short protein forms D67H, D20H.
Identifiers: ClinVar variation 867324 (VCV000867324.3), dbSNP rs80357102, ClinGen allele CA10601769.

Conditions:
Breast-ovarian cancer, familial, susceptibility to, 1 (BROVCA1). Also called: BRCA1 Hereditary Breast and Ovarian Cancer; OVARIAN CANCER, SUSCEPTIBILITY TO. Identifiers: Orphanet 145, MedGen C2676676, MONDO:0011450, OMIM 604370. Disease mechanism: loss of function.

Submission:

Brotman Baty Institute, University of Washington
No classification provided (evidence only). Condition: Breast-ovarian cancer, familial 1. Review status: no classification provided. Collection method: in vitro. Allele origin: not applicable. Functional consequence: functionally_normal.
ClinVar note: "not provided" was previously submitted as the classification for the variant. However, the classification appeared to be based only on an observation of functional data so it was converted to no classification on 2025-07-30.